The following is an entry in ClinVar:

ClinVar aggregate classification (germline): Uncertain significance (1 of 4 stars; one submission).

Allele frequency attached by ClinVar (database versions not stated): gnomAD 0.00001; TOPMed 0.00001; gnomAD exomes 0.00002; ExAC 0.00004; ESP Exome Variant Server 0.00008.
gnomAD v4.1: 26 of 1,614,162 alleles (0.0016%); highest among the groups gnomAD compares: South Asian, 0.0022%; no homozygotes.

Submission:

Labcorp Genetics (formerly Invitae), Labcorp
Classification: Uncertain significance. Last evaluated: 2022-07-15. Review status: criteria provided, single submitter. Criteria: Invitae Variant Classification Sherloc (09022015). Collection method: clinical testing. Allele origin: germline.
Comment: This sequence change replaces leucine, which is neutral and non-polar, with arginine, which is basic and polar, at codon 402 of the SHPK protein (p.Leu402Arg). This variant is present in population databases (rs143903812, gnomAD 0.005%). This variant has not been reported in the literature in individuals affected with SHPK-related conditions. Algorithms developed to predict the effect of missense changes on protein structure and function are either unavailable or do not agree on the potential impact of this missense change (SIFT: "Deleterious"; PolyPhen-2: "Probably Damaging"; Align-GVGD: "Class C0"). In summary, the available evidence is currently insufficient to determine the role of this variant in disease. Therefore, it has been classified as a Variant of Uncertain Significance.

NM_013276.4(SHPK):c.1205T>G (p.Leu402Arg)

Gene: SHPK (sedoheptulokinase; minus strand). Cytogenetic location: 17p13.2.
Variant type: single nucleotide variant.
Coding change: c.1205T>G on transcript NM_013276.4 (MANE Select); coding-DNA position 1205, T replaced by G.
Protein change: p.Leu402Arg; replaces leucine 402 with arginine.
Molecular consequence: missense variant.
Genome position (GRCh38, 1-based): chr17:3,610,792, A>C on the plus strand (T>G on the coding strand, the complement: SHPK is on the minus strand). VCF-style: chr17-3610792-A-C. GRCh37 (hg19) VCF-style: chr17-3514086-A-C.
Other names: short protein forms L402R.
Identifiers: ClinVar variation 2174565 (VCV002174565.4), dbSNP rs143903812, ClinGen allele CA8291075.